The following is an entry in ClinVar:

NM_021930.6(RINT1):c.170C>T (p.Ser57Phe)

Gene: RINT1 (RAD50 interactor 1; plus strand). Cytogenetic location: 7q22.3.
Variant type: single nucleotide variant.
Coding change: c.170C>T on transcript NM_021930.6 (MANE Select); coding-DNA position 170, C replaced by T.
Protein change: p.Ser57Phe; replaces serine 57 with phenylalanine.
Molecular consequence: missense variant. On other transcripts: 5 prime UTR variant (3), non-coding transcript variant (1), intron variant (1).
Genome position (GRCh38, 1-based): chr7:105,536,646, C>T. VCF-style: chr7-105536646-C-T. GRCh37 (hg19) VCF-style: chr7-105177093-C-T.
Other names: c.-753C>T (NM_001346601.2); c.-373C>T (NM_001346603.2); c.39+34C>T (NM_001346599.2); c.-850C>T (NM_001346600.2); short protein forms S57F.
Identifiers: ClinVar variation 4863330 (VCV004863330.1).

ClinVar aggregate classification (germline): Uncertain significance (1 of 4 stars; one submission).

Submission:

Ambry Genetics
Classification: Uncertain significance. Last evaluated: 2026-04-15. Review status: criteria provided, single submitter. Criteria: Ambry Variant Classification Scheme 2023. Collection method: clinical testing. Allele origin: germline.
Comment: The p.S57F variant (also known as c.170C>T), located in coding exon 3 of the RINT1 gene, results from a C to T substitution at nucleotide position 170. The serine at codon 57 is replaced by phenylalanine, an amino acid with highly dissimilar properties. This amino acid position is conserved. In addition, this alteration is predicted to be tolerated by in silico analysis. Based on the available evidence, the clinical significance of this variant remains unclear.